The following is an entry in ClinVar:

NM_003560.4(PLA2G6):c.2005dup (p.His669fs)

Gene: PLA2G6 (phospholipase A2 group VI; minus strand). Cytogenetic location: 22q13.1.
Variant type: Duplication.
Coding change: c.2005dup on transcript NM_003560.4 (MANE Select); coding-DNA position 2005, one base duplicated (C; older notation c.2005dupC).
Protein change: p.His669fs; shifts the reading frame from histidine 669.
Molecular consequence: frameshift variant.
Genome position (GRCh38, 1-based): chr22:38,115,556, G duplicated on the plus strand (C on the coding strand, the reverse complement: PLA2G6 is on the minus strand); the first of 2 consecutive G bases (chr22:38,115,556-38,115,557); duplicating either gives the same sequence. VCF-style (leftmost placement, unchanged base first): chr22-38115555-T-TG. GRCh37 (hg19) VCF-style: chr22-38511562-T-TG.
Other names: c.1843dup, p.His615fs (NM_001004426.3, NM_001199562.3, NM_001349865.2 and 1 more transcripts); c.2005dup, p.His669fs (NM_001349864.2); c.1471dup, p.His491fs (NM_001349867.2); c.1327dup, p.His443fs (NM_001349868.2); c.1309dup, p.His437fs (NM_001349869.2); short protein forms H437fs, H443fs, H491fs, H615fs, H669fs.
Identifiers: ClinVar variation 4854308 (VCV004854308.1).
Genomic context (GRCh38, chr22:38,115,555, plus strand): 5'-TGGGTCCAGGCCCTCTGGCCTACGGCACTCACCTTGCGGATCAGGTCCTGATTGTACTCA[T>TG]GGATCTCGGTCATGGCATCCAGCGTGGGGTTGTTGGCCAGCAGCCCACCGTCCAGGAAGC-3'

ClinVar aggregate classification (germline): Likely pathogenic (1 of 4 stars; one submission).

Conditions:
Neurodegeneration with brain iron accumulation 2B. Also called: NEUROAXONAL DYSTROPHY, ATYPICAL; NEURODEGENERATION WITH BRAIN IRON ACCUMULATION, PLA2G6-RELATED; aNAD; atypical Neuroaxonal Dystrophy (aNAD). Identifiers: Orphanet 35069, MedGen C1857747, MONDO:0012444, OMIM 610217.

Submission:

3billion
Classification: Likely pathogenic for Neurodegeneration with brain iron accumulation 2B. Last evaluated: 2025-10-14. Review status: criteria provided, single submitter. Criteria: ACMG Guidelines, 2015. Collection method: clinical testing. Allele origin: germline. Affected: yes.
Comment: The variant is not observed in the gnomAD v4.1.0 dataset. Predicted Consequence/Location: Frameshift: predicted to result in a loss or disruption of normal protein function through nonsense-mediated decay (NMD) or protein truncation. Multiple pathogenic variants are reported downstream of the variant. Therefore, this variant is classified as Likely pathogenic according to the recommendation of ACMG/AMP guideline.